The following is an entry in ClinVar:

ClinVar aggregate classification (germline): Uncertain significance (1 of 4 stars; one submission).

Conditions:
Immunodeficiency 23 (IMD23). Also called: IMMUNODEFICIENCY WITH HYPER IgE AND COGNITIVE IMPAIRMENT; IMMUNODEFICIENCY-VASCULITIS-MYOCLONUS SYNDROME. Identifiers: Orphanet 443811, MedGen C4014371, MONDO:0014353, OMIM 615816.

Allele frequency attached by ClinVar (database versions not stated): ExAC 0.00002; gnomAD exomes 0.00004; TOPMed 0.00005; gnomAD 0.00007; ESP Exome Variant Server 0.00008.
gnomAD v4.1: 78 of 1,597,932 alleles (0.0049%); highest among the groups gnomAD compares: African/African-American, 0.0054%; no homozygotes.

Submission:

Labcorp Genetics (formerly Invitae), Labcorp
Classification: Uncertain significance for Immunodeficiency 23. Last evaluated: 2022-05-03. Review status: criteria provided, single submitter. Criteria: Invitae Variant Classification Sherloc (09022015). Collection method: clinical testing. Allele origin: germline.
Comment: This sequence change replaces aspartic acid, which is acidic and polar, with glutamic acid, which is acidic and polar, at codon 231 of the PGM3 protein (p.Asp231Glu). This variant is present in population databases (rs370293418, gnomAD 0.004%). This variant has not been reported in the literature in individuals affected with PGM3-related conditions. Algorithms developed to predict the effect of missense changes on protein structure and function output the following: SIFT: "Tolerated"; PolyPhen-2: "Benign"; Align-GVGD: "Class C0". The glutamic acid amino acid residue is found in multiple mammalian species, which suggests that this missense change does not adversely affect protein function. In summary, the available evidence is currently insufficient to determine the role of this variant in disease. Therefore, it has been classified as a Variant of Uncertain Significance.

NM_015599.3(PGM3):c.609T>G (p.Asp203Glu)

Gene: PGM3 (phosphoglucomutase 3; minus strand). Cytogenetic location: 6q14.1.
Variant type: single nucleotide variant.
Coding change: c.609T>G on transcript NM_015599.3 (MANE Select); coding-DNA position 609, T replaced by G.
Protein change: p.Asp203Glu; replaces aspartic acid 203 with glutamic acid.
Molecular consequence: missense variant. On other transcripts: non-coding transcript variant (1).
Genome position (GRCh38, 1-based): chr6:83,181,914, A>C on the plus strand (T>G on the coding strand, the complement: PGM3 is on the minus strand). VCF-style: chr6-83181914-A-C. GRCh37 (hg19) VCF-style: chr6-83891633-A-C.
Other names: c.693T>G, p.Asp231Glu (NM_001199917.2, NM_001367287.1); c.366T>G, p.Asp122Glu (NM_001199918.2); c.609T>G, p.Asp203Glu (NM_001199919.2, NM_001367286.1); short protein forms D122E, D231E, D203E.
Identifiers: ClinVar variation 2151629 (VCV002151629.1), dbSNP rs370293418, ClinGen allele CA3906701.